The following is an entry in ClinVar:

NM_001267550.2(TTN):c.9220C>T (p.Arg3074Ter)

Gene: TTN (titin; minus strand). Cytogenetic location: 2q31.2.
Variant type: single nucleotide variant.
Coding change: c.9220C>T on transcript NM_001267550.2 (MANE Select); coding-DNA position 9220, C replaced by T.
Protein change: p.Arg3074Ter; replaces arginine 3074 with a stop codon.
Molecular consequence: nonsense.
Genome position (GRCh38, 1-based): chr2:178,768,099, G>A on the plus strand (C>T on the coding strand, the complement: TTN is on the minus strand). VCF-style: chr2-178768099-G-A. GRCh37 (hg19) VCF-style: chr2-179632826-G-A.
Other names: c.9220C>T (NM_001267550.1); c.9220C>T, p.Arg3074Ter (NM_001256850.1, NM_133378.4, NM_133379.5); c.9082C>T, p.Arg3028Ter (NM_003319.4, NM_133432.3, NM_133437.4); short protein forms R3074*, R3028*.
Identifiers: ClinVar variation 284118 (VCV000284118.14), dbSNP rs780706937, ClinGen allele CA10604694.

ClinVar aggregate classification (germline): Conflicting classifications of pathogenicity. Review status: criteria provided, conflicting classifications (1 of 4 stars). 3 submissions from 3 submitters: Likely pathogenic (2); Uncertain significance (1). Last evaluated 2025-07-08.

Conditions:
Autosomal recessive limb-girdle muscular dystrophy type 2J (LGMDR10). Also called: Limb-girdle muscular dystrophy, type 2J; MUSCULAR DYSTROPHY, LIMB-GIRDLE, AUTOSOMAL RECESSIVE 10. Identifiers: Orphanet 140922, MedGen C1837342, MONDO:0012127, OMIM 608807.
Dilated cardiomyopathy 1G (CMD1G). Identifiers: Orphanet 154, MedGen C1858763, MONDO:0011400, OMIM 604145.

Allele frequency attached by ClinVar (database versions not stated): gnomAD exomes below 0.00001.
gnomAD v4.1: 5 of 1,613,916 alleles (0.00031%); highest among the groups gnomAD compares: Non-Finnish European, 0.00042%; no homozygotes.

Submissions (3):

Labcorp Genetics (formerly Invitae), Labcorp
Classification: Likely pathogenic for Dilated cardiomyopathy 1G; Autosomal recessive limb-girdle muscular dystrophy type 2J. Last evaluated: 2025-07-08. Review status: criteria provided, single submitter. Criteria: Invitae Variant Classification Sherloc (09022015). Collection method: clinical testing. Allele origin: germline.
Comment: This sequence change creates a premature translational stop signal (p.Arg3074*) in the TTN gene. While this is not anticipated to result in nonsense mediated decay, it is expected to create a truncated TTN protein. This variant is not present in population databases (gnomAD no frequency). This premature translational stop signal has been observed in individual(s) with clinical features of autosomal recessive TTN-related conditions (PMID: 33820833). This variant has been reported in individual(s) with autosomal dominant dilated cardiomyopathy (PMID: 33106378); however, the role of the variant in this condition is currently unclear. ClinVar contains an entry for this variant (Variation ID: 284118). This variant is located in the I band of TTN (PMID: 25589632). Truncating variants in this region have been reported in individuals affected with autosomal recessive centronuclear myopathy (PMID: 23975875, internal data). Truncating variants in this region have also been identified in individuals affected with autosomal dominant dilated cardiomyopathy and/or cardio-related conditions (PMID: 27869827, 32964742, internal data). In summary, the currently available evidence indicates that the variant is pathogenic, but additional data are needed to prove that conclusively. Therefore, this variant has been classified as Likely Pathogenic.

GeneDx
Classification: Likely pathogenic. Last evaluated: 2024-04-11. Review status: criteria provided, single submitter. Criteria: GeneDx Variant Classification Process June 2021. Collection method: clinical testing. Allele origin: germline. Affected: yes.
Comment: Reported in association with dilated cardiomyopathy (PMID: 33106378); Not observed at significant frequency in large population cohorts (gnomAD); Located in a region of TTN within the I-band in which the majority of loss of function variants are significantly associated with autosomal dominant titinopathies (PMID: 27625338, 27869827); This variant is associated with the following publications: (PMID: 33820833, 27625338, 27869827, 33106378)

Eurofins Ntd Llc (ga)
Classification: Uncertain significance. Last evaluated: 2017-11-02. Review status: criteria provided, single submitter. Criteria: EGL Classification Definitions 2015. Collection method: clinical testing. Allele origin: germline. Observed: 1 variant allele, 1 heterozygote.

Literature cited by the submitters: PubMed 33820833 (cited by Labcorp Genetics (formerly Invitae), Labcorp); PubMed 33106378 (cited by Labcorp Genetics (formerly Invitae), Labcorp); PubMed 25589632 (cited by Labcorp Genetics (formerly Invitae), Labcorp); PubMed 23975875 (cited by Labcorp Genetics (formerly Invitae), Labcorp); PubMed 27869827 (cited by Labcorp Genetics (formerly Invitae), Labcorp); PubMed 32964742 (cited by Labcorp Genetics (formerly Invitae), Labcorp).